The following is an entry in ClinVar:

ClinVar aggregate classification (germline): Uncertain significance. Review status: criteria provided, multiple submitters, no conflicts (2 of 4 stars). 2 submissions from 2 submitters: Uncertain significance (2). Last evaluated 2024-12-27.

Conditions:
Cardiovascular phenotype. Identifiers: MedGen CN230736.

Allele frequency attached by ClinVar (database versions not stated): gnomAD 0.00001.
gnomAD v4.1: 4 of 1,613,728 alleles (0.00025%); highest among the groups gnomAD compares: Admixed American, 0.005%; no homozygotes.

Submissions (2):

GeneDx
Classification: Uncertain significance. Last evaluated: 2024-12-27. Review status: criteria provided, single submitter. Criteria: GeneDx Variant Classification Process June 2021. Collection method: clinical testing. Allele origin: germline. Affected: yes.
Comment: Not observed at significant frequency in large population cohorts (gnomAD); In silico analysis supports that this missense variant has a deleterious effect on protein structure/function; Has not been previously published as pathogenic or benign to our knowledge

Ambry Genetics
Classification: Uncertain significance for Cardiovascular phenotype. Last evaluated: 2022-04-15. Review status: criteria provided, single submitter. Criteria: Ambry Variant Classification Scheme 2023. Collection method: clinical testing. Allele origin: germline.
Comment: The p.V271M variant (also known as c.811G>A), located in coding exon 1 of the KCNJ5 gene, results from a G to A substitution at nucleotide position 811. The valine at codon 271 is replaced by methionine, an amino acid with highly similar properties. This amino acid position is highly conserved in available vertebrate species. In addition, this alteration is predicted to be deleterious by in silico analysis. Since supporting evidence is limited at this time, the clinical significance of this alteration remains unclear.

NM_000890.5(KCNJ5):c.811G>A (p.Val271Met)

Gene: KCNJ5 (potassium inwardly rectifying channel subfamily J member 5; plus strand). Cytogenetic location: 11q24.3.
Variant type: single nucleotide variant.
Coding change: c.811G>A on transcript NM_000890.5 (MANE Select); coding-DNA position 811, G replaced by A.
Protein change: p.Val271Met; replaces valine 271 with methionine.
Molecular consequence: missense variant.
Genome position (GRCh38, 1-based): chr11:128,912,084, G>A. VCF-style: chr11-128912084-G-A. GRCh37 (hg19) VCF-style: chr11-128781979-G-A.
Other names: c.811G>A, p.Val271Met (NM_001354169.2); short protein forms V271M.
Identifiers: ClinVar variation 1762077 (VCV001762077.3), dbSNP rs1231673589, ClinGen allele CA383250437.